The following is an entry in ClinVar:

NM_000238.4(KCNH2):c.1136C>T (p.Ser379Phe)

Gene: KCNH2 (potassium voltage-gated channel subfamily H member 2; minus strand). Cytogenetic location: 7q36.1.
Variant type: single nucleotide variant.
Coding change: c.1136C>T on transcript NM_000238.4 (MANE Select); coding-DNA position 1136, C replaced by T.
Protein change: p.Ser379Phe; replaces serine 379 with phenylalanine.
Molecular consequence: missense variant. On other transcripts: non-coding transcript variant (2).
Genome position (GRCh38, 1-based): chr7:150,952,846, G>A on the plus strand (C>T on the coding strand, the complement: KCNH2 is on the minus strand). VCF-style: chr7-150952846-G-A. GRCh37 (hg19) VCF-style: chr7-150649934-G-A.
Other names: c.116C>T, p.Ser39Phe (NM_001204798.2, NM_172057.3); c.848C>T, p.Ser283Phe (NM_001406753.1, NM_001406756.1); c.959C>T, p.Ser320Phe (NM_001406755.1); c.836C>T, p.Ser279Phe (NM_001406757.1); c.1136C>T, p.Ser379Phe (NM_172056.3); short protein forms S279F, S283F, S320F, S379F, S39F.
Identifiers: ClinVar variation 4071843 (VCV004071843.1).

ClinVar aggregate classification (germline): Uncertain significance (1 of 4 stars; one submission).

Submission:

GeneDx
Classification: Uncertain significance. Last evaluated: 2025-01-27. Review status: criteria provided, single submitter. Criteria: GeneDx Variant Classification Process June 2021. Collection method: clinical testing. Allele origin: germline. Affected: yes.
Comment: Not observed at significant frequency in large population cohorts (gnomAD); In silico analysis supports that this missense variant has a deleterious effect on protein structure/function; Has not been previously published as pathogenic or benign to our knowledge